The following is an entry in ClinVar:

NM_000275.3(OCA2):c.2380G>A (p.Ala794Thr)

Gene: OCA2 (OCA2 melanosomal transmembrane protein; minus strand). Cytogenetic location: 15q13.1.
Variant type: single nucleotide variant.
Coding change: c.2380G>A on transcript NM_000275.3 (MANE Select); coding-DNA position 2380, G replaced by A.
Protein change: p.Ala794Thr; replaces alanine 794 with threonine.
Molecular consequence: missense variant.
Genome position (GRCh38, 1-based): chr15:27,845,011, C>T on the plus strand (G>A on the coding strand, the complement: OCA2 is on the minus strand). VCF-style: chr15-27845011-C-T. GRCh37 (hg19) VCF-style: chr15-28090157-C-T.
Other names: c.2308G>A, p.Ala770Thr (NM_001300984.2); short protein forms A770T, A794T.
Identifiers: ClinVar variation 3774876 (VCV003774876.1).

ClinVar aggregate classification (germline): Uncertain significance (1 of 4 stars; one submission).

gnomAD v4.1: 25 of 1,614,112 alleles (0.0015%); highest among the groups gnomAD compares: Middle Eastern, 0.049%; no homozygotes.

Submission:

GeneDx
Classification: Uncertain significance. Last evaluated: 2024-09-30. Review status: criteria provided, single submitter. Criteria: GeneDx Variant Classification Process June 2021. Collection method: clinical testing. Allele origin: germline. Affected: yes.
Comment: Not observed at significant frequency in large population cohorts (gnomAD); In silico analysis supports that this missense variant has a deleterious effect on protein structure/function; Has not been previously published as pathogenic or benign to our knowledge